The following is an entry in ClinVar:

ClinVar aggregate classification (germline): Benign/Likely benign. Review status: criteria provided, multiple submitters, no conflicts (2 of 4 stars). 10 submissions from 10 submitters: Benign (2); Likely benign (3). 5 of the submissions do not count toward it. Last evaluated 2026-02-03.

Conditions:
NPC1-related disorder. Also called: NPC1-related condition.
Niemann-Pick disease, type C1. Also called: NEUROVISCERAL STORAGE DISEASE WITH VERTICAL SUPRANUCLEAR OPHTHALMOPLEGIA; NIEMANN-PICK DISEASE WITH CHOLESTEROL ESTERIFICATION BLOCK; NIEMANN-PICK DISEASE WITHOUT SPHINGOMYELINASE DEFICIENCY; NIEMANN-PICK DISEASE, CHRONIC NEURONOPATHIC FORM; NIEMANN-PICK DISEASE, VARIANT TYPE C1. Identifiers: Orphanet 646, MedGen C3179455, MONDO:0009757, OMIM 257220.

Submissions (10):

Labcorp Genetics (formerly Invitae), Labcorp
Classification: Benign for Niemann-Pick disease, type C1. Last evaluated: 2026-02-03. Review status: criteria provided, single submitter. Criteria: Invitae Variant Classification Sherloc (09022015). Collection method: clinical testing. Allele origin: germline.

CeGaT Center for Human Genetics Tuebingen
Classification: Benign. Last evaluated: 2026-01-01. Review status: criteria provided, single submitter. Criteria: CeGaT Center For Human Genetics Tuebingen Variant Classification Criteria Version 2. Collection method: clinical testing. Allele origin: germline. Affected: yes. Observed: 2 variant alleles.
Comment: NPC1: BP4, BS1, BS2

Mayo Clinic Laboratories, Mayo Clinic
Classification: Likely benign. Last evaluated: 2025-08-14. Review status: criteria provided, single submitter. Criteria: ACMG Guidelines, 2015. Collection method: clinical testing. Allele origin: germline. Observed: 5 variant alleles.
Comment: BA1, BP7

Blueprint Genetics
Classification: Likely benign. Last evaluated: 2024-11-08. Review status: criteria provided, single submitter. Criteria: ACMG Guidelines, 2015. Collection method: clinical testing. Allele origin: germline.

Eurofins Ntd Llc (ga)
Classification: Likely benign. Last evaluated: 2015-11-11. Review status: criteria provided, single submitter. Criteria: EGL Classification Definitions 2015. Collection method: clinical testing. Allele origin: germline. Observed: 1 variant allele.

PreventionGenetics, part of Exact Sciences
Classification: Benign for NPC1-related condition. Last evaluated: 2023-11-15. Review status: no assertion criteria provided. Collection method: clinical testing. Allele origin: germline. Not counted in ClinVar's aggregate classification.
Comment: This variant is classified as benign based on ACMG/AMP sequence variant interpretation guidelines (Richards et al. 2015 PMID: 25741868, with internal and published modifications).

Natera, Inc.
Classification: Likely benign for Niemann-Pick disease type C1. Last evaluated: 2019-09-27. Review status: no assertion criteria provided. Collection method: clinical testing. Allele origin: germline. Not counted in ClinVar's aggregate classification.

Clinical Genetics DNA and cytogenetics Diagnostics Lab, Erasmus MC, Erasmus Medical Center
Classification: Benign. Review status: no assertion criteria provided. Collection method: clinical testing. Allele origin: germline. Affected: yes. Study: VKGL Data-share Consensus. Not counted in ClinVar's aggregate classification.

Genome Diagnostics Laboratory, Amsterdam University Medical Center
Classification: Likely benign. Review status: no assertion criteria provided. Collection method: clinical testing. Allele origin: germline. Affected: yes. Study: VKGL Data-share Consensus. Not counted in ClinVar's aggregate classification.

Laboratory of Diagnostic Genome Analysis, Leiden University Medical Center (LUMC)
Classification: Likely benign. Review status: no assertion criteria provided. Collection method: clinical testing. Allele origin: germline. Affected: yes. Study: VKGL Data-share Consensus. Not counted in ClinVar's aggregate classification.

NM_000271.5(NPC1):c.1947+7_1947+8insCGGG

Gene: NPC1 (NPC intracellular cholesterol transporter 1; minus strand). Cytogenetic location: 18q11.2.
Variant type: Insertion.
Coding change: c.1947+7_1947+8insCGGG on transcript NM_000271.5 (MANE Select); bases 7 to 8 of the intron after coding-DNA position 1947, CGGG inserted.
Molecular consequence: intron variant.
Genome position: GRCh38 VCF-style: chr18-23544952-C-CCCCG. GRCh37 (hg19) VCF-style: chr18-21124916-C-CCCCG.
Other names: p.?.
Identifiers: ClinVar variation 284646 (VCV000284646.37), dbSNP rs1555634618, ClinGen allele CA8913330.